The following is an entry in ClinVar:

ClinVar aggregate classification (germline): Pathogenic (1 of 4 stars; one submission).

Conditions:
Propionic acidemia (PROP). Also called: GLYCINEMIA, KETOTIC; HYPERGLYCINEMIA WITH KETOACIDOSIS AND LEUKOPENIA; KETOTIC HYPERGLYCINEMIA. Identifiers: Orphanet 35, MedGen C0268579, MONDO:0011628, OMIM 606054, HP:0003571.

Submission:

Labcorp Genetics (formerly Invitae), Labcorp
Classification: Pathogenic for Propionic acidemia. Last evaluated: 2021-08-12. Review status: criteria provided, single submitter. Criteria: Invitae Variant Classification Sherloc (09022015). Collection method: clinical testing. Allele origin: germline.
Comment: This variant is a gross deletion of the genomic region encompassing exon(s) 9 of the PCCB gene. This deletion is out-of-frame, and is expected to create a premature termination codon and result in an absent or disrupted protein product. Loss-of-function variants in PCCB are known to be pathogenic (PMID: 15464417). This variant has not been reported in the literature in individuals affected with PCCB-related conditions. For these reasons, this variant has been classified as Pathogenic.

Literature cited by the submitters: PubMed 15464417.

NC_000003.11:g.(?_136019862)_(136019963_?)del

Gene: PCCB (propionyl-CoA carboxylase subunit beta; plus strand). Cytogenetic location: 3q22.3.
Variant type: Deletion.
Identifiers: ClinVar variation 1436430 (VCV001436430.5).